The following is an entry in ClinVar:

NM_012309.5(SHANK2):c.1406C>A (p.Pro469His)

Gene: SHANK2 (SH3 and multiple ankyrin repeat domains 2; minus strand). Cytogenetic location: 11q13.4.
Variant type: single nucleotide variant.
Coding change: c.1406C>A on transcript NM_012309.5 (MANE Select); coding-DNA position 1406, C replaced by A.
Protein change: p.Pro469His; replaces proline 469 with histidine.
Molecular consequence: missense variant.
Genome position (GRCh38, 1-based): chr11:70,820,451, G>T on the plus strand (C>A on the coding strand, the complement: SHANK2 is on the minus strand). VCF-style: chr11-70820451-G-T. GRCh37 (hg19) VCF-style: chr11-70666556-G-T.
Other names: c.269C>A, p.Pro90His (NM_001379226.1); short protein forms P469H, P90H.
Identifiers: ClinVar variation 2642093 (VCV002642093.24), dbSNP rs1464476145, ClinGen allele CA381958871.

ClinVar aggregate classification (germline): Uncertain significance (1 of 4 stars; one submission).

Allele frequency attached by ClinVar (database versions not stated): gnomAD exomes 0.00002.

Submission:

CeGaT Center for Human Genetics Tuebingen
Classification: Uncertain significance. Last evaluated: 2022-11-01. Review status: criteria provided, single submitter. Criteria: CeGaT Center For Human Genetics Tuebingen Variant Classification Criteria Version 2. Collection method: clinical testing. Allele origin: germline. Affected: yes. Observed: 1 variant allele.
Comment: SHANK2: PM2